The following is an entry in ClinVar:

NM_153676.4(USH1C):c.2184+12C>T

Gene: USH1C (USH1 protein network component harmonin; minus strand). Cytogenetic location: 11p15.1.
Variant type: single nucleotide variant.
Coding change: c.2184+12C>T on transcript NM_153676.4 (MANE Select); 12 bases into the intron after coding-DNA position 2184, C replaced by T.
Molecular consequence: intron variant.
Genome position (GRCh38, 1-based): chr11:17,504,635, G>A on the plus strand (C>T on the coding strand, the complement: USH1C is on the minus strand). VCF-style: chr11-17504635-G-A. GRCh37 (hg19) VCF-style: chr11-17526182-G-A.
Other names: c.1228-2655C>T (NM_001297764.2); c.1285-2655C>T (NM_005709.4).
Identifiers: ClinVar variation 47992 (VCV000047992.8), dbSNP rs138547759, ClinGen allele CA142321.

ClinVar aggregate classification (germline): Benign/Likely benign. Review status: criteria provided, multiple submitters, no conflicts (2 of 4 stars). 3 submissions from 3 submitters: Benign (1); Likely benign (2). Last evaluated 2024-07-06.

Allele frequency attached by ClinVar (database versions not stated): gnomAD 0.00112; 1000 Genomes Project 0.00140; 1000 Genomes Project 30x 0.00141; TOPMed 0.00198; ESP Exome Variant Server 0.00200.
gnomAD v4.1: 438 of 1,613,914 alleles (0.027%); highest among the groups gnomAD compares: African/African-American, 0.52%; 1 homozygote.

Submissions (3):

Blueprint Genetics
Classification: Likely benign. Last evaluated: 2024-07-06. Review status: criteria provided, single submitter. Criteria: ACMG Guidelines, 2015. Collection method: clinical testing. Allele origin: germline.

GeneDx
Classification: Likely benign. Last evaluated: 2020-05-30. Review status: criteria provided, single submitter. Criteria: GeneDx Variant Classification Process June 2021. Collection method: clinical testing. Allele origin: germline. Affected: yes.

Laboratory for Molecular Medicine, Mass General Brigham Personalized Medicine
Classification: Benign. Last evaluated: 2012-04-30. Review status: criteria provided, single submitter. Criteria: LMM Criteria. Collection method: clinical testing. Allele origin: germline. Observed: 4 variant alleles.
Comment: 2184+12C>T in Intron 20 of USH1C: This variant is not expected to have clinical significance because it is not located within the conserved splice consensus seq uence and has been identified in 0.5% (20/3738) of African American chromosomes from a broad population by the NHLBI Exome Sequencing Project (dbSNP rs138547759).